The following is an entry in ClinVar:

NM_030962.4(SBF2):c.2319G>A (p.Ala773=)

Genes: SBF2 (SET binding factor 2; minus strand), LOC101928008 (uncharacterized LOC101928008; plus strand). Cytogenetic location: 11p15.4.
Variant type: single nucleotide variant.
Coding change: c.2319G>A on transcript NM_030962.4 (MANE Select); coding-DNA position 2319, G replaced by A.
Protein change: p.Ala773=; no amino-acid change (alanine 773 retained).
Molecular consequence: synonymous variant.
Genome position (GRCh38, 1-based): chr11:9,856,502, C>T on the plus strand (G>A on the coding strand, the complement: SBF2 is on the minus strand). VCF-style: chr11-9856502-C-T. GRCh37 (hg19) VCF-style: chr11-9878049-C-T.
Other names: c.2319G>A, p.Ala773= (NM_001386339.1); c.2190G>A, p.Ala730= (NM_001386342.1).
Identifiers: ClinVar variation 381048 (VCV000381048.46), dbSNP rs201547070, ClinGen allele CA5881591.

ClinVar aggregate classification (germline): Likely benign. Review status: criteria provided, multiple submitters, no conflicts (2 of 4 stars). 10 submissions from 10 submitters: Likely benign (10). Last evaluated 2025-12-24.

Conditions:
SBF2-related disorder. Also called: SBF2-related condition.
Inborn genetic diseases. Identifiers: MedGen C0950123, MeSH D030342.
Charcot-Marie-Tooth disease. Also called: Charcot-Marie-Tooth Neuropathy; Charcot-Marie-Tooth Hereditary Neuropathy. Identifiers: Orphanet 166, MedGen C0007959, MONDO:0015626.
Charcot-Marie-Tooth disease type 4. Also called: Charcot-Marie-Tooth disease, type IV; Charcot-Marie-Tooth, Type 4. Identifiers: Orphanet 64749, MedGen C4082197, MONDO:0018995.
Charcot-Marie-Tooth disease type 4B2. Also called: Charcot-Marie-Tooth Neuropathy Type 4B2; CHARCOT-MARIE-TOOTH DISEASE, DEMYELINATING, TYPE 4B2; CMT 4B2; CHARCOT-MARIE-TOOTH DISEASE, WITH FOCALLY FOLDED MYELIN SHEATHS, AUTOSOMAL RECESSIVE, TYPE 4B2. Identifiers: Orphanet 99956, MedGen C1858278, MONDO:0011475, OMIM 604563.

Allele frequency attached by ClinVar (database versions not stated): ESP Exome Variant Server 0.00008; gnomAD 0.00014 and 0.00016; ExAC 0.00019; TOPMed 0.00020.
gnomAD v4.1: 305 of 1,614,044 alleles (0.019%); highest among the groups gnomAD compares: Admixed American, 0.033%; no homozygotes.

Submissions (10):

Labcorp Genetics (formerly Invitae), Labcorp
Classification: Likely benign for Charcot-Marie-Tooth disease type 4. Last evaluated: 2025-12-24. Review status: criteria provided, single submitter. Criteria: Invitae Variant Classification Sherloc (09022015). Collection method: clinical testing. Allele origin: germline.

PreventionGenetics, part of Exact Sciences
Classification: Likely benign for SBF2-related condition. Last evaluated: 2025-06-24. Review status: criteria provided, single submitter. Criteria: ACMG Guidelines, 2015. Collection method: clinical testing. Allele origin: germline.
Comment: This variant is classified as likely benign based on ACMG/AMP sequence variant interpretation guidelines (Richards et al. 2015 PMID: 25741868, with internal and published modifications).

Women's Health and Genetics/Laboratory Corporation of America, LabCorp
Classification: Likely benign. Last evaluated: 2024-11-25. Review status: criteria provided, single submitter. Criteria: LabCorp Variant Classification Summary - May 2015. Collection method: clinical testing. Allele origin: germline.

Blueprint Genetics
Classification: Likely benign. Last evaluated: 2024-06-20. Review status: criteria provided, single submitter. Criteria: ACMG Guidelines, 2015. Collection method: clinical testing. Allele origin: germline.

ARUP Laboratories, Molecular Genetics and Genomics, ARUP Laboratories
Classification: Likely benign for Charcot-Marie-Tooth disease type 4B2. Last evaluated: 2023-08-18. Review status: criteria provided, single submitter. Criteria: ARUP Molecular Germline Variant Investigation Process 2024. Collection method: clinical testing. Allele origin: germline.

CeGaT Center for Human Genetics Tuebingen
Classification: Likely benign. Last evaluated: 2022-10-01. Review status: criteria provided, single submitter. Criteria: CeGaT Center For Human Genetics Tuebingen Variant Classification Criteria Version 2. Collection method: clinical testing. Allele origin: germline. Affected: yes. Observed: 1 variant allele.
Comment: SBF2: BP4, BP7

Ambry Genetics
Classification: Likely benign for Inborn genetic diseases. Last evaluated: 2019-07-11. Review status: criteria provided, single submitter. Criteria: Ambry Variant Classification Scheme 2023. Collection method: clinical testing. Allele origin: germline.

GeneDx
Classification: Likely benign. Last evaluated: 2018-11-13. Review status: criteria provided, single submitter. Criteria: GeneDx Variant Classification Process June 2021. Collection method: clinical testing. Allele origin: germline. Affected: yes.

Genetic Services Laboratory, University of Chicago
Classification: Likely benign. Last evaluated: 2018-09-13. Review status: criteria provided, single submitter. Criteria: ACMG Guidelines, 2015. Collection method: clinical testing. Allele origin: germline. Affected: no.

Molecular Genetics Laboratory, London Health Sciences Centre
Classification: Likely benign for Charcot-Marie-Tooth disease. Review status: criteria provided, single submitter. Criteria: ACMG Guidelines, 2015. Collection method: clinical testing. Allele origin: germline. Affected: yes.